The following is an entry in ClinVar:

NM_000632.4(ITGAM):c.1825G>A (p.Val609Met)

Gene: ITGAM (integrin subunit alpha M; plus strand). Cytogenetic location: 16p11.2.
Variant type: single nucleotide variant.
Coding change: c.1825G>A on transcript NM_000632.4 (MANE Select); coding-DNA position 1825, G replaced by A.
Protein change: p.Val609Met; replaces valine 609 with methionine.
Molecular consequence: missense variant.
Genome position (GRCh38, 1-based): chr16:31,321,358, G>A. VCF-style: chr16-31321358-G-A. GRCh37 (hg19) VCF-style: chr16-31332679-G-A.
Other names: c.1828G>A, p.Val610Met (NM_001145808.2); short protein forms V609M, V610M.
Identifiers: ClinVar variation 3611274 (VCV003611274.2).

ClinVar aggregate classification (germline): Uncertain significance (1 of 4 stars; one submission).

gnomAD v4.1: 21 of 1,613,908 alleles (0.0013%); highest among the groups gnomAD compares: East Asian, 0.0022%; no homozygotes.

Submission:

Labcorp Genetics (formerly Invitae), Labcorp
Classification: Uncertain significance. Last evaluated: 2025-01-06. Review status: criteria provided, single submitter. Criteria: Invitae Variant Classification Sherloc (09022015). Collection method: clinical testing. Allele origin: germline.
Comment: This sequence change replaces valine, which is neutral and non-polar, with methionine, which is neutral and non-polar, at codon 609 of the ITGAM protein (p.Val609Met). This variant is present in population databases (rs754620342, gnomAD 0.006%). This variant has not been reported in the literature in individuals affected with ITGAM-related conditions. An algorithm developed to predict the effect of missense changes on protein structure and function outputs the following: PolyPhen-2: "Benign". The methionine amino acid residue is found in multiple mammalian species, which suggests that this missense change does not adversely affect protein function. In summary, the available evidence is currently insufficient to determine the role of this variant in disease. Therefore, it has been classified as a Variant of Uncertain Significance.